The following is an entry in ClinVar:

NM_206933.4(USH2A):c.7230A>T (p.Val2410=)

Gene: USH2A (usherin; minus strand). Cytogenetic location: 1q41.
Variant type: single nucleotide variant.
Coding change: c.7230A>T on transcript NM_206933.4 (MANE Select); coding-DNA position 7230, A replaced by T.
Protein change: p.Val2410=; no amino-acid change (valine 2410 retained).
Molecular consequence: synonymous variant.
Genome position (GRCh38, 1-based): chr1:215,934,686, T>A on the plus strand (A>T on the coding strand, the complement: USH2A is on the minus strand). VCF-style: chr1-215934686-T-A. GRCh37 (hg19) VCF-style: chr1-216108028-T-A.
Identifiers: ClinVar variation 763824 (VCV000763824.36), dbSNP rs202162396, ClinGen allele CA1394912.

ClinVar aggregate classification (germline): Likely benign. Review status: criteria provided, multiple submitters, no conflicts (2 of 4 stars). 7 submissions from 6 submitters: Likely benign (6). 1 of the submissions does not count toward it. Last evaluated 2026-01-20.

Conditions:
Usher syndrome type 2A. Also called: RETINAL DISEASE IN USHER SYNDROME TYPE IIA, MODIFIER OF; USHER SYNDROME, TYPE IIA. Identifiers: Orphanet 231178, Orphanet 886, MedGen C1848634, MONDO:0010169, OMIM 276901.
Retinitis pigmentosa 39 (RP39). Identifiers: Orphanet 791, MedGen C3151138, MONDO:0013436, OMIM 613809.
Retinal dystrophy. Also called: Inherited retinal dystrophy. Identifiers: Orphanet 71862, MedGen C0854723, MeSH D058499, MONDO:0019118, HP:0000556.

Allele frequency attached by ClinVar (database versions not stated): gnomAD 0.00001; TOPMed 0.00003; ExAC 0.00007; 1000 Genomes Project 30x 0.00016; 1000 Genomes Project 0.00020.
gnomAD v4.1: 39 of 1,612,910 alleles (0.0024%); highest among the groups gnomAD compares: East Asian, 0.08%; no homozygotes.

Submissions (7):

Labcorp Genetics (formerly Invitae), Labcorp
Classification: Likely benign. Last evaluated: 2026-01-20. Review status: criteria provided, single submitter. Criteria: Invitae Variant Classification Sherloc (09022015). Collection method: clinical testing. Allele origin: germline.

Blueprint Genetics
Classification: Likely benign. Last evaluated: 2023-11-28. Review status: criteria provided, single submitter. Criteria: ACMG Guidelines, 2015. Collection method: clinical testing. Allele origin: germline.

Genome-Nilou Lab
Classification: Likely benign for Retinitis pigmentosa 39. Last evaluated: 2023-11-04. Review status: criteria provided, single submitter. Criteria: ACMG Guidelines, 2015. Collection method: clinical testing. Allele origin: germline. Affected: no.

Genome-Nilou Lab
Classification: Likely benign for Usher syndrome type 2A. Last evaluated: 2023-11-04. Review status: criteria provided, single submitter. Criteria: ACMG Guidelines, 2015. Collection method: clinical testing. Allele origin: germline. Affected: no.

Dept Of Ophthalmology, Nagoya University
Classification: Likely benign for Retinal dystrophy. Last evaluated: 2023-10-01. Review status: criteria provided, single submitter. Criteria: Submitter's publication. Collection method: research. Allele origin: germline. Affected: yes.

CeGaT Center for Human Genetics Tuebingen
Classification: Likely benign. Last evaluated: 2022-04-01. Review status: criteria provided, single submitter. Criteria: CeGaT Center For Human Genetics Tuebingen Variant Classification Criteria Version 2. Collection method: clinical testing. Allele origin: germline. Affected: yes. Observed: 1 variant allele.
Comment: USH2A: BP4, BP7

Natera, Inc.
Classification: Likely benign for Usher syndrome type 2A. Last evaluated: 2020-03-10. Review status: no assertion criteria provided. Collection method: clinical testing. Allele origin: germline. Not counted in ClinVar's aggregate classification.